The following is an entry in ClinVar:

ClinVar aggregate classification (germline): Benign/Likely benign. Review status: criteria provided, multiple submitters, no conflicts (2 of 4 stars). 4 submissions from 4 submitters: Benign (2); Likely benign (2). Last evaluated 2026-05-01.

Conditions:
Pontocerebellar hypoplasia type 7. Identifiers: Orphanet 284339, MedGen C3554226, MONDO:0013993, OMIM 614969.

Allele frequency attached by ClinVar (database versions not stated): 1000 Genomes Project 30x 0.00297; gnomAD 0.00664 and 0.00635; gnomAD exomes 0.00772 and 0.00705; TOPMed 0.00468; ExAC 0.00631; 1000 Genomes Project 0.00339; ESP Exome Variant Server 0.00569.

Submissions (4):

CeGaT Center for Human Genetics Tuebingen
Classification: Likely benign. Last evaluated: 2026-05-01. Review status: criteria provided, single submitter. Criteria: CeGaT Center For Human Genetics Tuebingen Variant Classification Criteria Version 2. Collection method: clinical testing. Allele origin: germline. Affected: yes. Observed: 12 variant alleles.
Comment: TOE1: BP4, BP7, BS2

Labcorp Genetics (formerly Invitae), Labcorp
Classification: Benign. Last evaluated: 2026-01-11. Review status: criteria provided, single submitter. Criteria: Invitae Variant Classification Sherloc (09022015). Collection method: clinical testing. Allele origin: germline.

Fulgent Genetics
Classification: Likely benign for Pontocerebellar hypoplasia type 7. Last evaluated: 2022-04-26. Review status: criteria provided, single submitter. Criteria: ACMG Guidelines, 2015. Collection method: clinical testing. Allele origin: unknown.

Genetic Services Laboratory, University of Chicago
Classification: Benign. Last evaluated: 2021-09-13. Review status: criteria provided, single submitter. Criteria: ACMG Guidelines, 2015. Collection method: clinical testing. Allele origin: germline. Affected: no.

NM_025077.4(TOE1):c.1176G>A (p.Leu392=)

Genes: MUTYH (mutY DNA glycosylase; minus strand), TOE1 (target of EGR1, exonuclease; plus strand). Cytogenetic location: 1p34.1.
Variant type: single nucleotide variant.
Coding change: c.1176G>A on transcript NM_025077.4 (MANE Select); coding-DNA position 1176, G replaced by A.
Protein change: p.Leu392=; no amino-acid change (leucine 392 retained).
Molecular consequence: synonymous variant.
Genome position (GRCh38, 1-based): chr1:45,343,345, G>A. VCF-style: chr1-45343345-G-A. GRCh37 (hg19) VCF-style: chr1-45809017-G-A.
Identifiers: ClinVar variation 780001 (VCV000780001.45), dbSNP rs149142910, ClinGen allele CA826793.
Genomic context (GRCh38, chr1:45,343,345, plus strand): 5'-GGATAGCATCAAGCCTGAAGAAACCGAGCAGGAGGTGGCTGCCGATGAAACTAGGAACCT[G>A]CCTCACTCCAAGCAAGGCAACAAAAATGACTTAGAGATGGGGATTAAGGCAGCAAGGCCT-3'
Protein context (NP_079353.3, residues 382-402): QEVAADETRN[Leu392=]PHSKQGNKND